The following is an entry in ClinVar:

NM_001166108.2(PALLD):c.*992A>G

Genes: PALLD (palladin, cytoskeletal associated protein; plus strand), CBR4 (carbonyl reductase 4; minus strand). Cytogenetic location: 4q32.3.
Variant type: single nucleotide variant.
Coding change: c.*992A>G on transcript NM_001166108.2 (MANE Select); 992 bases downstream of the stop codon, A replaced by G.
Molecular consequence: 3 prime UTR variant.
Genome position (GRCh38, 1-based): chr4:168,927,172, A>G. VCF-style: chr4-168927172-A-G. GRCh37 (hg19) VCF-style: chr4-169848323-A-G.
Other names: c.*787A>G (NM_001166109.2, NM_001166110.2, NM_001367568.1 and 1 more transcripts); c.*992A>G (NM_001367567.1, NM_001367570.1, NM_016081.4).
Identifiers: ClinVar variation 348055 (VCV000348055.5), dbSNP rs28718025, ClinGen allele CA10618226.

ClinVar aggregate classification (germline): Benign (1 of 4 stars; one submission).

Conditions:
Pancreatic cancer, susceptibility to, 1. Identifiers: Orphanet 1333, MedGen C1847351, MONDO:0011739, OMIM 606856.

Allele frequency attached by ClinVar (database versions not stated): gnomAD exomes 0.00203; gnomAD 0.01151 and 0.01242; 1000 Genomes Project 30x 0.01187; 1000 Genomes Project 0.01198; TOPMed 0.01311.
gnomAD v4.1: 1,914 of 229,866 alleles (0.83%); highest among the groups gnomAD compares: African/African-American, 3.9%; 51 homozygotes.

Submission:

Illumina Laboratory Services, Illumina
Classification: Benign for Pancreatic cancer, susceptibility to, 1. Last evaluated: 2018-01-13. Review status: criteria provided, single submitter. Criteria: ICSL Variant Classification Criteria 13 December 2019. Collection method: clinical testing. Allele origin: germline.
Comment: This variant was observed in the ICSL laboratory as part of a predisposition screen in an ostensibly healthy population. It had not been previously curated by ICSL or reported in the Human Gene Mutation Database (HGMD: prior to June 1st, 2018), and was therefore a candidate for classification through an automated scoring system. Utilizing variant allele frequency, disease prevalence and penetrance estimates, and inheritance mode, an automated score was calculated to assess if this variant is too frequent to cause the disease. Based on the score and internal cut-off values, a variant classified as benign is not then subjected to further curation. The score for this variant resulted in a classification of benign for this disease.